The following continues an entry in ClinVar:

NM_000492.4(CFTR):c.617T>G (p.Leu206Trp)

Gene: CFTR. ClinVar aggregate classification (germline): Pathogenic; drug response. Pathogenic (1).

Submissions 25 to 33 of 33:

GeneDx
Classification: Pathogenic. Last evaluated: 2017-04-26. Review status: criteria provided, single submitter. Criteria: GeneDx Variant Classification (06012015). Collection method: clinical testing. Allele origin: germline. Affected: yes. Not counted in ClinVar's aggregate classification.
Comment: The L206W variant in the CFTR gene has been reported previously in individuals with CFTR-related disorders who also harbor additional variants in the CFTR gene (Clain et al., 2005; Claustres et al., 1993). The L206W variant was not observed with any significant frequency in approximately 6500 individuals of European and African American ancestry in the NHLBI Exome Sequencing Project, indicating it is not a common benign variant in these populations. The L206W variant is a semi-conservative amino acid substitution, which may impact secondary protein structure as these residues differ in some properties. This substitution occurs at a position that is conserved across species. In vitro studies of the L206W variant demonstrate significant reduction in CFTR processing in HeLa cells resulting in a decrease in protein production at the cell surface compared to wild type cells (Clain et al., 2005; Van Goor et al., 2014). A missense variant in the same residue (L206F) has been reported previously in association with a CFTR-related disorder (Claustres et al., 2000), supporting the functional importance of this region of the protein. We interpret L206W as a pathogenic variant.

Eurofins Ntd Llc (ga)
Classification: Pathogenic. Last evaluated: 2015-10-12. Review status: criteria provided, single submitter. Criteria: EGL Classification Definitions. Collection method: clinical testing. Allele origin: germline. Observed: 5 variant alleles, 5 heterozygotes. Not counted in ClinVar's aggregate classification.

Baylor Genetics
Classification: Pathogenic for Congenital bilateral aplasia of vas deferens from CFTR mutation; Cystic fibrosis. Review status: criteria provided, single submitter. Criteria: ACMG Guidelines, 2015. Collection method: clinical testing. Allele origin: germline. Not counted in ClinVar's aggregate classification.

Genome Diagnostics Laboratory, The Hospital for Sick Children
Classification: Pathogenic for CFTR-related disorders. Last evaluated: 2021-04-30. Review status: no assertion criteria provided. Collection method: clinical testing. Allele origin: germline. Not counted in ClinVar's aggregate classification.

Division of Human Genetics, Children's Hospital of Philadelphia
Classification: Pathogenic for Cystic fibrosis. Last evaluated: 2016-04-21. Review status: no assertion criteria provided. Collection method: research. Allele origin: germline. Study: CSER-PediSeq. Not counted in ClinVar's aggregate classification.

OMIM
Classification: Pathogenic for CYSTIC FIBROSIS. Last evaluated: 2005-04-01. Review status: no assertion criteria provided. Collection method: literature only. Allele origin: germline. Not counted in ClinVar's aggregate classification.

Clinical Genetics DNA and cytogenetics Diagnostics Lab, Erasmus MC, Erasmus Medical Center
Classification: Pathogenic. Review status: no assertion criteria provided. Collection method: clinical testing. Allele origin: germline. Affected: yes. Study: VKGL Data-share Consensus. Not counted in ClinVar's aggregate classification.

Diagnostic Laboratory, Department of Genetics, University Medical Center Groningen
Classification: Pathogenic. Review status: no assertion criteria provided. Collection method: clinical testing. Allele origin: germline. Affected: yes. Study: VKGL Data-share Consensus. Not counted in ClinVar's aggregate classification.

Joint Genome Diagnostic Labs from Nijmegen and Maastricht, Radboudumc and MUMC+
Classification: Pathogenic. Review status: no assertion criteria provided. Collection method: clinical testing. Allele origin: germline. Affected: yes. Study: VKGL Data-share Consensus. Not counted in ClinVar's aggregate classification.

Literature cited by the submitters: PubMed 23891399 (cited by 6 submitters); PubMed 12955726 (cited by Dasa); PubMed 7532150 (cited by Dasa); PubMed 7545869 (cited by 3 submitters); PubMed 15776432 (cited by 5 submitters); PubMed 20021716 (cited by 3 submitters); PubMed 21520337 (cited by 3 submitters); PubMed 23751316 (cited by 3 submitters); PubMed 23951356 (cited by 4 submitters); PubMed 23974870 (cited by 7 submitters); PubMed 27086061 (cited by Labcorp Genetics (formerly Invitae), Labcorp and Quest Diagnostics Nichols Institute San Juan Capistrano); PubMed 25963003 (cited by Natera, Inc.); PubMed 38558018 (cited by Quest Diagnostics Nichols Institute San Juan Capistrano); PubMed 10794365 (cited by Quest Diagnostics Nichols Institute San Juan Capistrano); PubMed 25910067 (cited by Ambry Genetics); PubMed 27665964 (cited by Ambry Genetics); PubMed 7691344 (cited by 4 submitters); PubMed 18456578 (cited by AiLife Diagnostics and Myriad Genetics, Inc.); PubMed 8522333 (cited by AiLife Diagnostics); PubMed 22975760 (cited by AiLife Diagnostics and Division of Human Genetics, Children's Hospital of Philadelphia); PubMed 22658665 (cited by AiLife Diagnostics and Division of Human Genetics, Children's Hospital of Philadelphia); PubMed 25087612 (cited by AiLife Diagnostics and Division of Human Genetics, Children's Hospital of Philadelphia).